The following is an entry in ClinVar:

ClinVar aggregate classification (germline): Uncertain significance (1 of 4 stars; one submission).

Conditions:
Leber congenital amaurosis 4 (LCA4). Identifiers: MedGen C1858386, MONDO:0011458, OMIM 604393.

Submission:

Labcorp Genetics (formerly Invitae), Labcorp
Classification: Uncertain significance for Leber congenital amaurosis 4. Last evaluated: 2022-11-01. Review status: criteria provided, single submitter. Criteria: Invitae Variant Classification Sherloc (09022015). Collection method: clinical testing. Allele origin: germline.
Comment: This sequence change replaces glutamic acid, which is acidic and polar, with lysine, which is basic and polar, at codon 23 of the AIPL1 protein (p.Glu23Lys). This variant is not present in population databases (gnomAD no frequency). This variant has not been reported in the literature in individuals affected with AIPL1-related conditions. Advanced modeling of protein sequence and biophysical properties (such as structural, functional, and spatial information, amino acid conservation, physicochemical variation, residue mobility, and thermodynamic stability) performed at Invitae indicates that this missense variant is not expected to disrupt AIPL1 protein function. In summary, the available evidence is currently insufficient to determine the role of this variant in disease. Therefore, it has been classified as a Variant of Uncertain Significance.

NM_014336.5(AIPL1):c.67G>A (p.Glu23Lys)

Gene: AIPL1 (AIP like 1 HSP90 co-chaperone; minus strand). Cytogenetic location: 17p13.2.
Variant type: single nucleotide variant.
Coding change: c.67G>A on transcript NM_014336.5 (MANE Select); coding-DNA position 67, G replaced by A.
Protein change: p.Glu23Lys; replaces glutamic acid 23 with lysine.
Molecular consequence: missense variant. On other transcripts: 5 prime UTR variant (1).
Genome position (GRCh38, 1-based): chr17:6,435,038, C>T on the plus strand (G>A on the coding strand, the complement: AIPL1 is on the minus strand). VCF-style: chr17-6435038-C-T. GRCh37 (hg19) VCF-style: chr17-6338358-C-T.
Other names: c.67G>A, p.Glu23Lys (NM_001033054.3, NM_001033055.3, NM_001285399.3 and 3 more transcripts); c.-109G>A (NM_001285402.2); short protein forms E23K.
Identifiers: ClinVar variation 1960656 (VCV001960656.2), dbSNP rs2543921655, ClinGen allele CA397397799.